The following is an entry in ClinVar:

NM_080860.4(RSPH1):c.650T>G (p.Leu217Trp)

Gene: RSPH1 (radial spoke head component 1; minus strand). Cytogenetic location: 21q22.3.
Variant type: single nucleotide variant.
Coding change: c.650T>G on transcript NM_080860.4 (MANE Select); coding-DNA position 650, T replaced by G.
Protein change: p.Leu217Trp; replaces leucine 217 with tryptophan.
Molecular consequence: missense variant.
Genome position (GRCh38, 1-based): chr21:42,477,368, A>C on the plus strand (T>G on the coding strand, the complement: RSPH1 is on the minus strand). VCF-style: chr21-42477368-A-C. GRCh37 (hg19) VCF-style: chr21-43897478-A-C.
Other names: c.536T>G, p.Leu179Trp (NM_001286506.2); short protein forms L217W, L179W.
Identifiers: ClinVar variation 241788 (VCV000241788.47), dbSNP rs138007679, ClinGen allele CA10043852.

ClinVar aggregate classification (germline): Benign/Likely benign. Review status: criteria provided, multiple submitters, no conflicts (2 of 4 stars). 7 submissions from 7 submitters: Benign (3); Likely benign (4). Last evaluated 2026-09-01.

Conditions:
Primary ciliary dyskinesia 24 (CILD24). Also called: CILIARY DYSKINESIA, PRIMARY, 24, WITHOUT SITUS INVERSUS. Identifiers: Orphanet 244, MedGen C3809634, MONDO:0014202, OMIM 615481.
Primary ciliary dyskinesia. Also called: Ciliary dyskinesia. Identifiers: Orphanet 244, MedGen C0008780, MONDO:0016575, HP:0012265.

Allele frequency attached by ClinVar (database versions not stated): 1000 Genomes Project 30x 0.00250; 1000 Genomes Project 0.00260; gnomAD 0.00701 and 0.00716; TOPMed 0.00730; ESP Exome Variant Server 0.00746.
gnomAD v4.1: 13,826 of 1,610,502 alleles (0.86%); highest among the groups gnomAD compares: Middle Eastern, 2%; 76 homozygotes.

Submissions (7):

CeGaT Center for Human Genetics Tuebingen
Classification: Likely benign. Last evaluated: 2026-09-01. Review status: criteria provided, single submitter. Criteria: CeGaT Center For Human Genetics Tuebingen Variant Classification Criteria Version 2. Collection method: clinical testing. Allele origin: germline. Affected: yes. Observed: 10 variant alleles.
Comment: RSPH1: BS2

Labcorp Genetics (formerly Invitae), Labcorp
Classification: Benign for Primary ciliary dyskinesia. Last evaluated: 2026-02-02. Review status: criteria provided, single submitter. Criteria: Invitae Variant Classification Sherloc (09022015). Collection method: clinical testing. Allele origin: germline.

GeneDx
Classification: Likely benign. Last evaluated: 2024-08-02. Review status: criteria provided, single submitter. Criteria: GeneDx Variant Classification Process June 2021. Collection method: clinical testing. Allele origin: germline. Affected: yes.
Comment: See Variant Classification Assertion Criteria.

ARUP Laboratories, Molecular Genetics and Genomics, ARUP Laboratories
Classification: Likely benign for Primary ciliary dyskinesia 24. Last evaluated: 2023-10-23. Review status: criteria provided, single submitter. Criteria: ARUP Molecular Germline Variant Investigation Process 2024. Collection method: clinical testing. Allele origin: germline.

Mayo Clinic Laboratories, Mayo Clinic
Classification: Benign. Last evaluated: 2023-01-05. Review status: criteria provided, single submitter. Criteria: ACMG Guidelines, 2015. Collection method: clinical testing. Allele origin: germline. Observed: 6 variant alleles.
Comment: BS1, BS2

Laboratory for Molecular Medicine, Mass General Brigham Personalized Medicine
Classification: Benign. Last evaluated: 2014-11-24. Review status: criteria provided, single submitter. Criteria: LMM Criteria. Collection method: clinical testing. Allele origin: germline. Observed: 1 variant allele.
Comment: Leu217Trp in exon 7 of RSPH1: This variant is not expected to have clinical sign ificance because it has been identified in 1.0% (87/8600) of European American c hromosomes from a broad population by the NHLBI Exome Sequencing Project (dbSNP rs138007679).

Breakthrough Genomics
Classification: Likely benign. Review status: criteria provided, single submitter. Criteria: ACMG Guidelines, 2015. Collection method: not provided. Allele origin: germline. Inheritance: Autosomal recessive inheritance. Affected: yes.